The following is an entry in ClinVar:

NM_004281.4(BAG3):c.764G>A (p.Trp255Ter)

Gene: BAG3 (BAG cochaperone 3; plus strand). Cytogenetic location: 10q26.11.
Variant type: single nucleotide variant.
Coding change: c.764G>A on transcript NM_004281.4 (MANE Select); coding-DNA position 764, G replaced by A.
Protein change: p.Trp255Ter; replaces tryptophan 255 with a stop codon.
Molecular consequence: nonsense.
Genome position (GRCh38, 1-based): chr10:119,672,511, G>A. VCF-style: chr10-119672511-G-A. GRCh37 (hg19) VCF-style: chr10-121432023-G-A.
Other names: short protein forms W255*.
Identifiers: ClinVar variation 2447229 (VCV002447229.4), dbSNP rs2494014239, ClinGen allele CA378295760.

ClinVar aggregate classification (germline): Pathogenic/Likely pathogenic. Review status: criteria provided, multiple submitters, no conflicts (2 of 4 stars). 3 submissions from 3 submitters: Pathogenic (2); Likely pathogenic (1). Last evaluated 2025-09-15.

Conditions:
Primary familial dilated cardiomyopathy (FDC). Also called: Familial dilated cardiomyopathy; Hypokinetic dilated cardiomyopathy, familial. Identifiers: Orphanet 217607, MedGen C0340427, MONDO:0016333.
Cardiovascular phenotype. Identifiers: MedGen CN230736.
BAG3-related disorder. Also called: BAG3-related condition.

Submissions (3):

Women's Health and Genetics/Laboratory Corporation of America, LabCorp
Classification: Pathogenic for Primary familial dilated cardiomyopathy. Last evaluated: 2025-09-15. Review status: criteria provided, single submitter. Criteria: LabCorp Variant Classification Summary - May 2015. Collection method: clinical testing. Allele origin: germline.
Comment: Variant summary: BAG3 c.764G>A (p.Trp255X) results in a premature termination codon, predicted to cause a truncation of the encoded protein or absence of the protein due to nonsense mediated decay, which are commonly known mechanisms for disease. The variant was absent in 250618 control chromosomes. To our knowledge, no occurrence of c.764G>A in individuals affected with BAG3-related conditions and no experimental evidence demonstrating its impact on protein function have been reported. ClinVar contains an entry for this variant (Variation ID: 2447229). Based on the evidence outlined above, the variant was classified as pathogenic.

Blueprint Genetics
Classification: Likely pathogenic for BAG3-related disorders. Last evaluated: 2023-12-19. Review status: criteria provided, single submitter. Criteria: ACMG Guidelines, 2015. Collection method: clinical testing. Allele origin: germline. Affected: yes. Observed: 1 variant allele.

Ambry Genetics
Classification: Pathogenic for Cardiovascular phenotype. Last evaluated: 2022-11-03. Review status: criteria provided, single submitter. Criteria: Ambry Variant Classification Scheme 2023. Collection method: clinical testing. Allele origin: germline.
Comment: The p.W255* pathogenic mutation (also known as c.764G>A), located in coding exon 3 of the BAG3 gene, results from a G to A substitution at nucleotide position 764. This changes the amino acid from a tryptophan to a stop codon within coding exon 3. This variant is considered to be rare based on population cohorts in the Genome Aggregation Database (gnomAD). This alteration is expected to result in loss of function by premature protein truncation or nonsense-mediated mRNA decay. As such, this alteration is interpreted as a disease-causing mutation.